The following is an entry in ClinVar:

NM_001012339.3(DNAJC21):c.277A>C (p.Thr93Pro)

Gene: DNAJC21 (DnaJ heat shock protein family (Hsp40) member C21; plus strand). Cytogenetic location: 5p13.2.
Variant type: single nucleotide variant.
Coding change: c.277A>C on transcript NM_001012339.3 (MANE Select); coding-DNA position 277, A replaced by C.
Protein change: p.Thr93Pro; replaces threonine 93 with proline.
Molecular consequence: missense variant.
Genome position (GRCh38, 1-based): chr5:34,935,795, A>C. VCF-style: chr5-34935795-A-C. GRCh37 (hg19) VCF-style: chr5-34935900-A-C.
Other names: p.Thr93Pro; c.277A>C, p.Thr93Pro (NM_001348420.2, NM_194283.4); short protein forms T93P.
Identifiers: ClinVar variation 3379583 (VCV003379583.1).

ClinVar aggregate classification (germline): Uncertain significance (1 of 4 stars; one submission).

Submission:

Mayo Clinic Laboratories, Mayo Clinic
Classification: Uncertain significance. Last evaluated: 2024-05-30. Review status: criteria provided, single submitter. Criteria: ACMG Guidelines, 2015. Collection method: clinical testing. Allele origin: germline. Observed: 1 variant allele.
Comment: PM2